The following is an entry in ClinVar:

ClinVar aggregate classification (germline): Likely pathogenic (1 of 4 stars; one submission).

Conditions:
Congenital myasthenic syndrome 10. Also called: Myasthenia, limb-girdle, familial. Identifiers: Orphanet 590, MedGen C1850792, MONDO:0009690, OMIM 254300.

Submission:

3billion
Classification: Likely pathogenic for Congenital myasthenic syndrome 10. Last evaluated: 2024-06-12. Review status: criteria provided, single submitter. Criteria: ACMG Guidelines, 2015. Collection method: clinical testing. Allele origin: germline. Affected: yes.
Comment: The variant is observed at an extremely low frequency in the gnomAD v4.0.0 dataset (total allele frequency: <0.001%). Predicted Consequence/Location: Frameshift: predicted to result in a loss or disruption of normal protein function through protein truncation. The predicted truncated protein may be shortened by more than 10%. The variant has been reported to be associated with DOK7 related disorder (ClinVar ID: VCV001687596). Therefore, this variant is classified as Likely pathogenic according to the recommendation of ACMG/AMP guideline.

NM_173660.5(DOK7):c.1166_1169del (p.Leu389fs)

Gene: DOK7 (docking protein 7; plus strand). Cytogenetic location: 4p16.3.
Variant type: Microsatellite.
Coding change: c.1166_1169del on transcript NM_173660.5 (MANE Select); coding-DNA positions 1166 to 1169, 4 bases deleted (TGCC; older notation c.1166_1169delTGCC).
Protein change: p.Leu389fs; shifts the reading frame from leucine 389.
Molecular consequence: frameshift variant. On other transcripts: 3 prime UTR variant (1).
Genome position (GRCh38, 1-based): chr4:3,493,152-3,493,155, TGCC deleted; deleting any 4 consecutive bases within chr4:3,493,146-3,493,155 gives the same sequence; the c. name uses the placement nearest the transcript's 3' end. VCF-style (leftmost placement, unchanged base first): chr4-3493145-ACCTG-A. GRCh37 (hg19) VCF-style: chr4-3494872-ACCTG-A.
Other names: c.*383TGCC[1] (NM_001164673.2); c.236_239del, p.Leu79fs (NM_001256896.2); c.1166_1169del, p.Leu389fs (NM_001301071.2); c.734_737del, p.Leu245fs (NM_001363811.2); short protein forms L245fs, L389fs, L79fs.
Identifiers: ClinVar variation 1687596 (VCV001687596.2), dbSNP rs1728633687, ClinGen allele CA1434254673.
Genomic context (GRCh38, chr4:3,493,145, plus strand): 5'-GATGAACTGGGCTCACTGCTCAGCCTGCCAGCAGCGGGGGCCCCCGAGCCCAGCCTGTGC[ACCTG>A]CCTGCCCGGGACAGTCGAGTACCAGGTGCCCACCTCCCTGCGGGCCCACTATGACACACC-3'